The following is an entry in ClinVar:

ClinVar aggregate classification (germline): Uncertain significance (1 of 4 stars; one submission).

Submission:

GeneDx
Classification: Uncertain significance. Last evaluated: 2023-03-24. Review status: criteria provided, single submitter. Criteria: GeneDx Variant Classification Process June 2021. Collection method: clinical testing. Allele origin: germline. Affected: yes.
Comment: Not observed at significant frequency in large population cohorts (gnomAD); In silico analysis supports that this missense variant does not alter protein structure/function; Has not been previously published as pathogenic or benign to our knowledge

NM_006852.6(TLK2):c.1642A>C (p.Ile548Leu)

Gene: TLK2 (tousled like kinase 2; plus strand). Cytogenetic location: 17q23.2.
Variant type: single nucleotide variant.
Coding change: c.1642A>C on transcript NM_006852.6 (MANE Select); coding-DNA position 1642, A replaced by C.
Protein change: p.Ile548Leu; replaces isoleucine 548 with leucine.
Molecular consequence: missense variant.
Genome position (GRCh38, 1-based): chr17:62,600,742, A>C. VCF-style: chr17-62600742-A-C. GRCh37 (hg19) VCF-style: chr17-60678103-A-C.
Other names: c.1195A>C, p.Ile399Leu (NM_001330418.3, NM_001375273.1); c.1684A>C, p.Ile562Leu (NM_001375269.1); c.1642A>C, p.Ile548Leu (NM_001375270.1, NM_001375271.1); c.1546A>C, p.Ile516Leu (NM_001375272.1, NM_001284363.1); c.1357A>C, p.Ile453Leu (NM_001411074.1); c.1708A>C, p.Ile570Leu (NM_001284333.3); short protein forms I399L, I453L, I516L, I548L, I562L, I570L.
Identifiers: ClinVar variation 2580547 (VCV002580547.1), dbSNP rs1353868304, ClinGen allele CA400511029.